The following is an entry in ClinVar:

ClinVar aggregate classification (germline): Likely benign (1 of 4 stars; one submission).

Allele frequency attached by ClinVar (database versions not stated): gnomAD 0.00008; 1000 Genomes Project 30x 0.00016.
gnomAD v4.1: 200 of 1,418,056 alleles (0.014%); highest among the groups gnomAD compares: Non-Finnish European, 0.017%; no homozygotes.

Submission:

CeGaT Center for Human Genetics Tuebingen
Classification: Likely benign. Last evaluated: 2022-09-01. Review status: criteria provided, single submitter. Criteria: CeGaT Center For Human Genetics Tuebingen Variant Classification Criteria Version 2. Collection method: clinical testing. Allele origin: germline. Affected: yes. Observed: 1 variant allele.
Comment: FEZ2: BP4, BP7

NM_005102.3(FEZ2):c.231G>C (p.Arg77=)

Gene: FEZ2 (fasciculation and elongation protein zeta 2; minus strand). Cytogenetic location: 2p22.2.
Variant type: single nucleotide variant.
Coding change: c.231G>C on transcript NM_005102.3 (MANE Select); coding-DNA position 231, G replaced by C.
Protein change: p.Arg77=; no amino-acid change (arginine 77 retained).
Molecular consequence: synonymous variant.
Genome position (GRCh38, 1-based): chr2:36,597,912, C>G on the plus strand (G>C on the coding strand, the complement: FEZ2 is on the minus strand). VCF-style: chr2-36597912-C-G. GRCh37 (hg19) VCF-style: chr2-36825055-C-G.
Other names: c.231G>C, p.Arg77= (NM_001042548.2).
Identifiers: ClinVar variation 2650826 (VCV002650826.24), dbSNP rs774996553, ClinGen allele CA1611186.